The following is an entry in ClinVar:

NM_000492.4(CFTR):c.3874-2257C>T

Gene: CFTR (CF transmembrane conductance regulator; plus strand). Cytogenetic location: 7q31.2.
Variant type: single nucleotide variant.
Coding change: c.3874-2257C>T on transcript NM_000492.4 (MANE Select); 2257 bases into the intron before coding-DNA position 3874, C replaced by T.
Molecular consequence: intron variant.
Genome position (GRCh38, 1-based): chr7:117,650,585, C>T. VCF-style: chr7-117650585-C-T. GRCh37 (hg19) VCF-style: chr7-117290639-C-T.
Identifiers: ClinVar variation 4280127 (VCV004280127.1).

ClinVar aggregate classification (germline): Uncertain significance (1 of 4 stars; one submission).

Conditions:
Cystic fibrosis (CF). Also called: MUCOVISCIDOSIS. Identifiers: Orphanet 586, MedGen C0010674, MONDO:0009061, OMIM 219700. Disease mechanism: loss of function.

Submission:

Johns Hopkins Genomics, Johns Hopkins University
Classification: Uncertain significance for Cystic fibrosis. Last evaluated: 2025-01-23. Review status: criteria provided, single submitter. Criteria: ACMG Guidelines, 2015. Collection method: clinical testing. Allele origin: germline.
Comment: Ths clinical significance of this variant is uncertain (PM2, BP4).